The following is an entry in ClinVar:

ClinVar aggregate classification (germline): Likely benign (1 of 4 stars; one submission).

Conditions:
MEGF10-related myopathy (CMYO10A). Also called: Congenital myopathy 10A, severe variant. Identifiers: Orphanet 439212, MedGen C3280679, MONDO:0013731, OMIM 614399.

Allele frequency attached by ClinVar (database versions not stated): gnomAD 0.00126 and 0.00186; TOPMed 0.00179; 1000 Genomes Project 30x 0.00750; 1000 Genomes Project 0.00819.

Submission:

Illumina Laboratory Services, Illumina
Classification: Likely benign for MEGF10-related myopathy. Last evaluated: 2018-01-13. Review status: criteria provided, single submitter. Criteria: ICSL Variant Classification Criteria 13 December 2019. Collection method: clinical testing. Allele origin: germline.
Comment: This variant was observed in the ICSL laboratory as part of a predisposition screen in an ostensibly healthy population. It had not been previously curated by ICSL or reported in the Human Gene Mutation Database (HGMD: prior to June 1st, 2018), and was therefore a candidate for classification through an automated scoring system. Utilizing variant allele frequency, disease prevalence and penetrance estimates, and inheritance mode, an automated score was calculated to assess if this variant is too frequent to cause the disease. Based on the score and internal cut-off values, a variant classified as likely benign is not then subjected to further curation. The score for this variant resulted in a classification of likely benign for this disease.

NM_001256545.2(MEGF10):c.*1685G>T

Gene: MEGF10 (multiple EGF like domains 10; plus strand). Cytogenetic location: 5q23.2.
Variant type: single nucleotide variant.
Coding change: c.*1685G>T on transcript NM_001256545.2 (MANE Select); 1685 bases downstream of the stop codon, G replaced by T.
Molecular consequence: 3 prime UTR variant.
Genome position (GRCh38, 1-based): chr5:127,459,003, G>T. VCF-style: chr5-127459003-G-T. GRCh37 (hg19) VCF-style: chr5-126794695-G-T.
Other names: c.*1685G>T (NM_032446.3).
Identifiers: ClinVar variation 906650 (VCV000906650.4), dbSNP rs17763722, ClinGen allele CA126955621.
Genomic context (GRCh38, chr5:127,459,003, plus strand): 5'-TGCAATATGAGAATGCTGACACAATGCAGGAAAGCCAGTTTCCCTTTTGTTGATCTACTT[G>T]ACCAAGCAAAGGGGCTGAAAAACTGAATAAGGAAACAACTTTATAAGAGAAACAGTGGTC-3'